The following is an entry in ClinVar:

NM_002524.5(NRAS):c.464C>T (p.Ala155Val)

Gene: NRAS (NRAS proto-oncogene, GTPase; minus strand). Cytogenetic location: 1p13.2.
Variant type: single nucleotide variant.
Coding change: c.464C>T on transcript NM_002524.5 (MANE Select); coding-DNA position 464, C replaced by T.
Protein change: p.Ala155Val; replaces alanine 155 with valine.
Molecular consequence: missense variant.
Genome position (GRCh38, 1-based): chr1:114,708,641, G>A on the plus strand (C>T on the coding strand, the complement: NRAS is on the minus strand). VCF-style: chr1-114708641-G-A. GRCh37 (hg19) VCF-style: chr1-115251262-G-A.
Other names: c.464C>T (LRG_92t1); short protein forms A155V.
Identifiers: ClinVar variation 450081 (VCV000450081.9), dbSNP rs747080102, ClinGen allele CA1020690.

ClinVar aggregate classification (germline): Uncertain significance. Review status: criteria provided, multiple submitters, no conflicts (2 of 4 stars). 3 submissions from 3 submitters: Uncertain significance (3). Last evaluated 2025-03-11.

Conditions:
RASopathy. Also called: Noonan spectrum disorder; rasopathies. Identifiers: Orphanet 536391, MedGen C5555857, MONDO:0021060.

Allele frequency attached by ClinVar (database versions not stated): gnomAD exomes below 0.00001; ExAC 0.00001; gnomAD 0.00001; TOPMed 0.00001.
gnomAD v4.1: 2 of 1,613,346 alleles (0.00012%); highest among the groups gnomAD compares: Non-Finnish European, 0.00017%; no homozygotes.

Submissions (3):

Labcorp Genetics (formerly Invitae), Labcorp
Classification: Uncertain significance for RASopathy. Last evaluated: 2025-03-11. Review status: criteria provided, single submitter. Criteria: Invitae Variant Classification Sherloc (09022015). Collection method: clinical testing. Allele origin: germline.
Comment: This sequence change replaces alanine, which is neutral and non-polar, with valine, which is neutral and non-polar, at codon 155 of the NRAS protein (p.Ala155Val). This variant is present in population databases (rs747080102, gnomAD 0.0009%). This missense change has been observed in individual(s) with clinical features of NRAS-related conditions. (internal data). ClinVar contains an entry for this variant (Variation ID: 450081). Invitae Evidence Modeling of protein sequence and biophysical properties (such as structural, functional, and spatial information, amino acid conservation, physicochemical variation, residue mobility, and thermodynamic stability) indicates that this missense variant is expected to disrupt NRAS protein function with a positive predictive value of 95%. In summary, the available evidence is currently insufficient to determine the role of this variant in disease. Therefore, it has been classified as a Variant of Uncertain Significance.

GeneDx
Classification: Uncertain significance. Last evaluated: 2024-05-23. Review status: criteria provided, single submitter. Criteria: GeneDx Variant Classification Process June 2021. Collection method: clinical testing. Allele origin: germline. Affected: yes.
Comment: Missense variants in this gene are a common cause of disease and they are underrepresented in the general population; In silico analysis supports that this missense variant has a deleterious effect on protein structure/function; Has not been previously published as pathogenic or benign to our knowledge

Blueprint Genetics
Classification: Uncertain significance. Last evaluated: 2019-09-24. Review status: criteria provided, single submitter. Criteria: ACMG Guidelines, 2015. Collection method: clinical testing. Allele origin: germline.